The following is an entry in ClinVar:

ClinVar aggregate classification (germline): Conflicting classifications of pathogenicity. Review status: criteria provided, conflicting classifications (1 of 4 stars). 2 submissions from 2 submitters: Likely pathogenic (1); Uncertain significance (1). Last evaluated 2026-03-09.

Conditions:
LAMA2-related muscular dystrophy (LAMA2-RD). Also called: Laminin alpha 2-related dystrophy. Identifiers: MedGen C5679788, MONDO:0100228.

Allele frequency attached by ClinVar (database versions not stated): gnomAD exomes 0.00001.
gnomAD v4.1: 7 of 1,614,032 alleles (0.00043%); highest among the groups gnomAD compares: Non-Finnish European, 0.00059%; no homozygotes.

Submissions (2):

Myriad Genetics, Inc.
Classification: Uncertain significance for LAMA2-related muscular dystrophy. Last evaluated: 2026-03-09. Review status: criteria provided, single submitter. Criteria: Myriad Autosomal Dominant, Autosomal Recessive and X-Linked Classification Criteria (2023). Collection method: clinical testing. Allele origin: unknown.
Comment: NM_000426.3(LAMA2):c.1326T>G(C442W) is a missense variant classified as a variant of uncertain significance in the context of muscular dystrophy, LAMA2-related. C442W has been observed in a case with relevant disease (PMID: 30055037). Relevant functional assessments of this variant are not available in the literature. C442W has not been observed in referenced population frequency databases. In summary, there is insufficient evidence to classify NM_000426.3(LAMA2):c.1326T>G(C442W) as pathogenic or benign. Please note: this variant was assessed in the context of healthy population screening.

Labcorp Genetics (formerly Invitae), Labcorp
Classification: Likely pathogenic for LAMA2-related muscular dystrophy. Last evaluated: 2023-11-01. Review status: criteria provided, single submitter. Criteria: Invitae Variant Classification Sherloc (09022015). Collection method: clinical testing. Allele origin: germline.
Comment: This sequence change replaces cysteine, which is neutral and slightly polar, with tryptophan, which is neutral and slightly polar, at codon 442 of the LAMA2 protein (p.Cys442Trp). This variant is not present in population databases (gnomAD no frequency). This missense change has been observed in individuals with congenital muscular dystrophy (PMID: 30055037). ClinVar contains an entry for this variant (Variation ID: 962902). Advanced modeling of protein sequence and biophysical properties (such as structural, functional, and spatial information, amino acid conservation, physicochemical variation, residue mobility, and thermodynamic stability) has been performed at Invitae for this missense variant, however the output from this modeling did not meet the statistical confidence thresholds required to predict the impact of this variant on LAMA2 protein function. In summary, the currently available evidence indicates that the variant is pathogenic, but additional data are needed to prove that conclusively. Therefore, this variant has been classified as Likely Pathogenic.

Literature cited by the submitters: PubMed 30055037 (cited by Myriad Genetics, Inc. and Labcorp Genetics (formerly Invitae), Labcorp).

NM_000426.4(LAMA2):c.1326T>G (p.Cys442Trp)

Gene: LAMA2 (laminin subunit alpha 2; plus strand). Cytogenetic location: 6q22.33.
Variant type: single nucleotide variant.
Coding change: c.1326T>G on transcript NM_000426.4 (MANE Select); coding-DNA position 1326, T replaced by G.
Protein change: p.Cys442Trp; replaces cysteine 442 with tryptophan.
Molecular consequence: missense variant.
Genome position (GRCh38, 1-based): chr6:129,177,725, T>G. VCF-style: chr6-129177725-T-G. GRCh37 (hg19) VCF-style: chr6-129498870-T-G.
Other names: c.1326T>G, p.Cys442Trp (NM_001079823.2); short protein forms C442W.
Identifiers: ClinVar variation 962902 (VCV000962902.11), dbSNP rs1226441435, ClinGen allele CA365607425.